The following is an entry in ClinVar:

NM_000264.5(PTCH1):c.1562C>A (p.Ala521Asp)

Gene: PTCH1 (patched 1; minus strand). Cytogenetic location: 9q22.32.
Variant type: single nucleotide variant.
Coding change: c.1562C>A on transcript NM_000264.5 (MANE Select); coding-DNA position 1562, C replaced by A.
Protein change: p.Ala521Asp; replaces alanine 521 with aspartic acid.
Molecular consequence: missense variant. On other transcripts: non-coding transcript variant (1).
Genome position (GRCh38, 1-based): chr9:95,476,799, G>T on the plus strand (C>A on the coding strand, the complement: PTCH1 is on the minus strand). VCF-style: chr9-95476799-G-T. GRCh37 (hg19) VCF-style: chr9-98239081-G-T.
Other names: c.1364C>A, p.Ala455Asp (NM_001083602.3); c.1559C>A, p.Ala520Asp (NM_001083603.3); c.1109C>A, p.Ala370Asp (NM_001083604.3, NM_001083605.3, NM_001083606.3 and 1 more transcripts); c.1406C>A, p.Ala469Asp (NM_001354918.2); short protein forms A469D, A370D, A455D, A520D, A521D.
Identifiers: ClinVar variation 5027491 (VCV005027491.1).

ClinVar aggregate classification (germline): Uncertain significance (1 of 4 stars; one submission).

Conditions:
Hereditary cancer-predisposing syndrome. Also called: Neoplastic Syndromes, Hereditary; Tumor predisposition; Hereditary neoplastic syndrome; Hereditary Cancer Syndrome. Identifiers: Orphanet 140162, MedGen C0027672, MeSH D009386, MONDO:0015356.

Submission:

Ambry Genetics
Classification: Uncertain significance for Hereditary cancer-predisposing syndrome. Last evaluated: 2026-07-07. Review status: criteria provided, single submitter. Criteria: Ambry Variant Classification Scheme 2023. Collection method: clinical testing. Allele origin: germline.
Comment: The p.A455D variant (also known as c.1364C>A), located in coding exon 11 of the PTCH1 gene, results from a C to A substitution at nucleotide position 1364. The alanine at codon 455 is replaced by aspartic acid, an amino acid with dissimilar properties. This amino acid position is conserved. In addition, this alteration is predicted to be deleterious by in silico analysis. Based on the available evidence, the clinical significance of this variant remains unclear.